The following is an entry in ClinVar:

NM_001025603.2(RFX5):c.859-3T>C

Gene: RFX5 (regulatory factor X5; minus strand). Cytogenetic location: 1q21.3.
Variant type: single nucleotide variant.
Coding change: c.859-3T>C on transcript NM_001025603.2 (MANE Select); 3 bases into the intron before coding-DNA position 859, T replaced by C.
Molecular consequence: intron variant.
Genome position (GRCh38, 1-based): chr1:151,343,181, A>G on the plus strand (T>C on the coding strand, the complement: RFX5 is on the minus strand). VCF-style: chr1-151343181-A-G. GRCh37 (hg19) VCF-style: chr1-151315657-A-G.
Other names: c.739-3T>C (NM_001379419.1, NM_001379420.1); c.859-3T>C (NM_000449.4, NM_001379413.1, NM_001379417.1 and 5 more transcripts).
Identifiers: ClinVar variation 2020708 (VCV002020708.4), dbSNP rs966028876, ClinGen allele CA29558931.

ClinVar aggregate classification (germline): Uncertain significance (1 of 4 stars; one submission).

Conditions:
MHC class II deficiency. Also called: Bare lymphocyte syndrome 2; BLS, TYPE II. Identifiers: Orphanet 572, MedGen C5447452, MONDO:0008855.

Submission:

Labcorp Genetics (formerly Invitae), Labcorp
Classification: Uncertain significance for MHC class II deficiency. Last evaluated: 2024-10-28. Review status: criteria provided, single submitter. Criteria: Invitae Variant Classification Sherloc (09022015). Collection method: clinical testing. Allele origin: germline.
Comment: This sequence change falls in intron 10 of the RFX5 gene. It does not directly change the encoded amino acid sequence of the RFX5 protein. It affects a nucleotide within the consensus splice site. This variant is not present in population databases (gnomAD no frequency). This variant has not been reported in the literature in individuals affected with RFX5-related conditions. ClinVar contains an entry for this variant (Variation ID: 2020708). Variants that disrupt the consensus splice site are a relatively common cause of aberrant splicing (PMID: 17576681, 9536098). Algorithms developed to predict the effect of sequence changes on RNA splicing suggest that this variant is not likely to affect RNA splicing. In summary, the available evidence is currently insufficient to determine the role of this variant in disease. Therefore, it has been classified as a Variant of Uncertain Significance.

Literature cited by the submitters: PubMed 17576681; PubMed 9536098.